The following is an entry in ClinVar:

ClinVar aggregate classification (germline): Uncertain significance (1 of 4 stars; one submission).

Conditions:
Beckwith-Wiedemann syndrome (BWS). Also called: EMG SYNDROME; Exomphalos macroglossia gigantism syndrome. Identifiers: Orphanet 116, MedGen C0004903, MONDO:0007534, OMIM 130650.

Submission:

Labcorp Genetics (formerly Invitae), Labcorp
Classification: Uncertain significance for Beckwith-Wiedemann syndrome. Last evaluated: 2016-12-13. Review status: criteria provided, single submitter. Criteria: Invitae Variant Classification Sherloc (09022015). Collection method: clinical testing. Allele origin: germline.
Comment: This sequence change deletes 6 nucleotides from exon 1 of the CDKN1C mRNA (c.455_460delCGGTCC). This leads to the deletion of 2 amino acid residues in the CDKN1C protein (p.Pro152_Val153del) but otherwise preserves the integrity of the reading frame. This variant is not present in population databases (ExAC no frequency) and has not been reported in the literature in individuals with a CDKN1C-related disease. Experimental studies and prediction algorithms are not available for this variant, and the functional significance of the deleted amino acids is currently unknown. In summary, this variant is a novel in-frame deletion with uncertain impact on protein function. It has been classified as a Variant of Uncertain Significance.

NM_001122630.2(CDKN1C):c.422_427del (p.139_140PV[1])

Gene: CDKN1C (cyclin dependent kinase inhibitor 1C; minus strand). Cytogenetic location: 11p15.4.
Variant type: Deletion.
Coding change: c.422_427del on transcript NM_001122630.2 (MANE Select); coding-DNA positions 422 to 427, 6 bases deleted (CGGTCC; older notation c.422_427delCGGTCC).
Protein change: p.139_140PV[1].
Molecular consequence: inframe deletion. On other transcripts: intron variant (1).
Genome position (GRCh38, 1-based): chr11:2,885,030-2,885,035, GGACCG deleted on the plus strand (CGGTCC on the coding strand, the reverse complement: CDKN1C is on the minus strand); deleting any 6 consecutive bases within chr11:2,885,030-2,885,039 gives the same sequence; the c. name uses the placement nearest the transcript's 3' end. VCF-style (leftmost placement, unchanged base first): chr11-2885029-AGGACCG-A. GRCh37 (hg19) VCF-style: chr11-2906259-AGGACCG-A.
Other names: c.455_460del, p.150_151PV[1] (NM_000076.2, NM_001362474.2, LRG_533t1); c.422_427del, p.139_140PV[1] (NM_001122631.2); c.255+167_255+172del (NM_001362475.2); c.455_460delCGGTCC (NM_000076.2).
Identifiers: ClinVar variation 404241 (VCV000404241.8), dbSNP rs1060500173, ClinGen allele CA16613306.